The following is an entry in ClinVar:

ClinVar aggregate classification (germline): Uncertain significance. Review status: criteria provided, multiple submitters, no conflicts (2 of 4 stars). 2 submissions from 2 submitters: Uncertain significance (2). Last evaluated 2024-10-09.

Conditions:
Inborn genetic diseases. Identifiers: MedGen C0950123, MeSH D030342.
Retinitis pigmentosa 59 (RP59). Identifiers: Orphanet 791, MedGen C3151227, MONDO:0013468, OMIM 613861.

gnomAD v4.1: 6 of 1,613,898 alleles (0.00037%); highest among the groups gnomAD compares: African/African-American, 0.0013%; no homozygotes.

Submissions (2):

Ambry Genetics
Classification: Uncertain significance for Inborn genetic diseases. Last evaluated: 2024-10-09. Review status: criteria provided, single submitter. Criteria: Ambry Variant Classification Scheme 2023. Collection method: clinical testing. Allele origin: germline.

Labcorp Genetics (formerly Invitae), Labcorp
Classification: Uncertain significance for Retinitis pigmentosa 59. Last evaluated: 2024-03-19. Review status: criteria provided, single submitter. Criteria: Invitae Variant Classification Sherloc (09022015). Collection method: clinical testing. Allele origin: germline.
Comment: This sequence change replaces valine, which is neutral and non-polar, with isoleucine, which is neutral and non-polar, at codon 139 of the DHDDS protein (p.Val139Ile). This variant is present in population databases (rs753558346, gnomAD 0.003%). This variant has not been reported in the literature in individuals affected with DHDDS-related conditions. Advanced modeling of protein sequence and biophysical properties (such as structural, functional, and spatial information, amino acid conservation, physicochemical variation, residue mobility, and thermodynamic stability) performed at Invitae indicates that this missense variant is not expected to disrupt DHDDS protein function with a negative predictive value of 80%. In summary, the available evidence is currently insufficient to determine the role of this variant in disease. Therefore, it has been classified as a Variant of Uncertain Significance.

NM_205861.3(DHDDS):c.415G>A (p.Val139Ile)

Gene: DHDDS (dehydrodolichyl diphosphate synthase subunit; plus strand). Cytogenetic location: 1p36.11.
Variant type: single nucleotide variant.
Coding change: c.415G>A on transcript NM_205861.3 (MANE Select); coding-DNA position 415, G replaced by A.
Protein change: p.Val139Ile; replaces valine 139 with isoleucine.
Molecular consequence: missense variant. On other transcripts: intron variant (1).
Genome position (GRCh38, 1-based): chr1:26,446,407, G>A. VCF-style: chr1-26446407-G-A. GRCh37 (hg19) VCF-style: chr1-26772898-G-A.
Other names: c.415G>A, p.Val139Ile (NM_001243564.2, NM_024887.4); c.136G>A, p.Val46Ile (NM_001319959.2); c.324-1152G>A (NM_001243565.2); short protein forms V139I, V46I.
Identifiers: ClinVar variation 3501417 (VCV003501417.3).